The following is an entry in ClinVar:

NM_005068.3(SIM1):c.1720A>G (p.Met574Val)

Gene: SIM1 (SIM bHLH transcription factor 1; minus strand). Cytogenetic location: 6q16.3.
Variant type: single nucleotide variant.
Coding change: c.1720A>G on transcript NM_005068.3 (MANE Select); coding-DNA position 1720, A replaced by G.
Protein change: p.Met574Val; replaces methionine 574 with valine.
Molecular consequence: missense variant.
Genome position (GRCh38, 1-based): chr6:100,390,942, T>C on the plus strand (A>G on the coding strand, the complement: SIM1 is on the minus strand). VCF-style: chr6-100390942-T-C. GRCh37 (hg19) VCF-style: chr6-100838818-T-C.
Other names: c.1720A>G, p.Met574Val (NM_001374769.1); short protein forms M574V.
Identifiers: ClinVar variation 917415 (VCV000917415.5), dbSNP rs150382307, ClinGen allele CA3936951.

ClinVar aggregate classification (germline): Conflicting classifications of pathogenicity. Review status: criteria provided, conflicting classifications (1 of 4 stars). 3 submissions from 3 submitters: Uncertain significance (2); Likely benign (1). Last evaluated 2026-08-25.

Conditions:
SIM1-related disorder. Also called: SIM1-related condition; SIM1-related disorders.
Inborn genetic diseases. Identifiers: MedGen C0950123, MeSH D030342.
Monogenic diabetes. Identifiers: Orphanet 183625, MedGen C3888631, MONDO:0015967.

Allele frequency attached by ClinVar (database versions not stated): ExAC 0.00004; gnomAD exomes 0.00007 and 0.00015; TOPMed 0.00007; gnomAD 0.00010 and 0.00011; ESP Exome Variant Server 0.00015.
gnomAD v4.1: 254 of 1,614,036 alleles (0.016%); highest among the groups gnomAD compares: Non-Finnish European, 0.019%; no homozygotes.

Submissions (3):

PreventionGenetics, part of Exact Sciences
Classification: Uncertain significance for SIM1-related condition. Last evaluated: 2026-08-25. Review status: criteria provided, single submitter. Criteria: ACMG Guidelines, 2015. Collection method: clinical testing. Allele origin: germline.
Comment: The SIM1 c.1720A>G variant is predicted to result in the amino acid substitution p.Met574Val. This variant has been reported in an individual with obesity; however, a non-genetic cause of obesity was identified, and this variant was observed in their non-obese father (Petlansky, et al. 2025 PubMed ID: 41323567). This variant is reported in 0.015% of alleles in individuals of European (non-Finnish) descent in gnomAD. At this time, the clinical significance of this variant is uncertain due to the absence of conclusive functional and genetic evidence.

Ambry Genetics
Classification: Likely benign for Inborn genetic diseases. Last evaluated: 2023-09-22. Review status: criteria provided, single submitter. Criteria: Ambry Variant Classification Scheme 2023. Collection method: clinical testing. Allele origin: germline.

Personalized Diabetes Medicine Program, University of Maryland School of Medicine
Classification: Uncertain significance for Monogenic diabetes. Last evaluated: 2018-11-21. Review status: criteria provided, single submitter. Criteria: ACMG Guidelines, 2015. Collection method: research. Allele origin: unknown. Observed: 2 variant alleles, 2 heterozygotes.
Comment: ACMG criteria: (nothing)= VUS (REVEL 0.238 + PP3/4 predictors + BP4/7 predictors = conflicting evidence, not using)